The following is an entry in ClinVar:

ClinVar aggregate classification (germline): Uncertain significance (1 of 4 stars; one submission).

Conditions:
Ovarian hyperstimulation syndrome (OHSS). Also called: OVARIAN HYPERSTIMULATION SYNDROME, FAMILIAL GESTATIONAL SPONTANEOUS. Identifiers: Orphanet 64739, MedGen C0085083, MONDO:0011972, OMIM 608115.
Ovarian dysgenesis 1 (ODG1). Also called: Gonadal dysgenesis XX type deafness; OVARIAN DYSGENESIS, HYPERGONADOTROPIC, AUTOSOMAL RECESSIVE; OVARIAN DYSGENESIS, HYPERGONADOTROPIC, WITH NORMAL KARYOTYPE; OVARIAN FAILURE, HYPERGONADOTROPIC; GONADAL DYSGENESIS, XX TYPE. Identifiers: Orphanet 243, MedGen C0949595, MONDO:0024463, OMIM 233300.

gnomAD v4.1: 1 of 1,613,996 alleles (0.000062%); highest among the groups gnomAD compares: Non-Finnish European, 0.000085%; no homozygotes.

Submission:

Blueprint Genetics
Classification: Uncertain significance. Last evaluated: 2020-12-22. Review status: criteria provided, single submitter. Criteria: ACMG Guidelines, 2015. Collection method: clinical testing. Allele origin: germline.

NM_000145.4(FSHR):c.1501G>A (p.Ala501Thr)

Gene: FSHR (follicle stimulating hormone receptor; minus strand). Cytogenetic location: 2p16.3.
Variant type: single nucleotide variant.
Coding change: c.1501G>A on transcript NM_000145.4 (MANE Select); coding-DNA position 1501, G replaced by A.
Protein change: p.Ala501Thr; replaces alanine 501 with threonine.
Molecular consequence: missense variant.
Genome position (GRCh38, 1-based): chr2:48,963,320, C>T on the plus strand (G>A on the coding strand, the complement: FSHR is on the minus strand). VCF-style: chr2-48963320-C-T. GRCh37 (hg19) VCF-style: chr2-49190459-C-T.
Other names: c.1423G>A, p.Ala475Thr (NM_181446.3); short protein forms A475T, A501T.
Identifiers: ClinVar variation 1339880 (VCV001339880.4), dbSNP rs1674317526, ClinGen allele CA346767502.